The following is an entry in ClinVar:

NM_001077418.3(TMEM231):c.926A>T (p.Asp309Val)

Gene: TMEM231 (transmembrane protein 231; minus strand). Cytogenetic location: 16q23.1.
Variant type: single nucleotide variant.
Coding change: c.926A>T on transcript NM_001077418.3 (MANE Select); coding-DNA position 926, A replaced by T.
Protein change: p.Asp309Val; replaces aspartic acid 309 with valine.
Molecular consequence: missense variant. On other transcripts: non-coding transcript variant (1).
Genome position (GRCh38, 1-based): chr16:75,540,019, T>A on the plus strand (A>T on the coding strand, the complement: TMEM231 is on the minus strand). VCF-style: chr16-75540019-T-A. GRCh37 (hg19) VCF-style: chr16-75573917-T-A.
Other names: c.1085A>T, p.Asp362Val (NM_001077416.2); short protein forms D309V, D362V.
Identifiers: ClinVar variation 2042387 (VCV002042387.2), dbSNP rs1020196870, ClinGen allele CA283885279.
Genomic context (GRCh38, chr16:75,540,019, plus strand): 5'-GCCACGGTCCTGCTGAGTCTTCAGAAATGGCCTTTCTAGGATAAGTGCTCCTTACACAAG[T>A]CTCCCCGGGGCGTCACTGTCACAGGAATGGTGGTCACCACCTGATTCTGAAACACGAAGA-3'
Protein context (NP_001070886.1, residues 299-316): TIPVTVTPRG[Asp309Val]LCKEHLS

ClinVar aggregate classification (germline): Uncertain significance. Review status: criteria provided, multiple submitters, no conflicts (2 of 4 stars). 2 submissions from 2 submitters: Uncertain significance (2). Last evaluated 2022-04-11.

Conditions:
Meckel syndrome, type 11 (MKS11). Identifiers: Orphanet 564, MedGen C3809352, MONDO:0014164, OMIM 615397.
Joubert syndrome 20 (JBTS20). Identifiers: Orphanet 475, MedGen C3554235, MONDO:0013994, OMIM 614970.

Allele frequency attached by ClinVar (database versions not stated): gnomAD 0.00005.
gnomAD v4.1: 12 of 1,612,718 alleles (0.00074%); highest among the groups gnomAD compares: African/African-American, 0.008%; no homozygotes.

Submissions (2):

Labcorp Genetics (formerly Invitae), Labcorp
Classification: Uncertain significance for Joubert syndrome 20; Meckel syndrome, type 11. Last evaluated: 2022-04-11. Review status: criteria provided, single submitter. Criteria: Invitae Variant Classification Sherloc (09022015). Collection method: clinical testing. Allele origin: germline.
Comment: This sequence change replaces aspartic acid, which is acidic and polar, with valine, which is neutral and non-polar, at codon 362 of the TMEM231 protein (p.Asp362Val). This variant is present in population databases (no rsID available, gnomAD 0.008%). This variant has not been reported in the literature in individuals affected with TMEM231-related conditions. Algorithms developed to predict the effect of missense changes on protein structure and function are either unavailable or do not agree on the potential impact of this missense change (SIFT: "Tolerated"; PolyPhen-2: "Not Available"; Align-GVGD: "Class C0"). In summary, the available evidence is currently insufficient to determine the role of this variant in disease. Therefore, it has been classified as a Variant of Uncertain Significance.

Blueprint Genetics
Classification: Uncertain significance. Last evaluated: 2021-10-21. Review status: criteria provided, single submitter. Criteria: ACMG Guidelines, 2015. Collection method: clinical testing. Allele origin: germline.